The following is an entry in ClinVar:

ClinVar aggregate classification (germline): Uncertain significance (1 of 4 stars; one submission).

Allele frequency attached by ClinVar (database versions not stated): gnomAD exomes below 0.00001; ExAC 0.00001.
gnomAD v4.1: 2 of 1,614,080 alleles (0.00012%); highest among the groups gnomAD compares: African/African-American, 0.0013%; no homozygotes.

Submission:

Labcorp Genetics (formerly Invitae), Labcorp
Classification: Uncertain significance. Last evaluated: 2024-11-05. Review status: criteria provided, single submitter. Criteria: Invitae Variant Classification Sherloc (09022015). Collection method: clinical testing. Allele origin: germline.
Comment: This sequence change replaces tyrosine, which is neutral and polar, with cysteine, which is neutral and slightly polar, at codon 1427 of the POLE protein (p.Tyr1427Cys). The frequency data for this variant in the population databases is considered unreliable, as metrics indicate poor data quality at this position in the gnomAD database. This variant has not been reported in the literature in individuals affected with POLE-related conditions. ClinVar contains an entry for this variant (Variation ID: 847914). Invitae Evidence Modeling of protein sequence and biophysical properties (such as structural, functional, and spatial information, amino acid conservation, physicochemical variation, residue mobility, and thermodynamic stability) indicates that this missense variant is expected to disrupt POLE protein function with a positive predictive value of 80%. In summary, the available evidence is currently insufficient to determine the role of this variant in disease. Therefore, it has been classified as a Variant of Uncertain Significance.

NM_006231.4(POLE):c.4280A>G (p.Tyr1427Cys)

Gene: POLE (DNA polymerase epsilon, catalytic subunit; minus strand). Cytogenetic location: 12q24.33.
Variant type: single nucleotide variant.
Coding change: c.4280A>G on transcript NM_006231.4 (MANE Select); coding-DNA position 4280, A replaced by G.
Protein change: p.Tyr1427Cys; replaces tyrosine 1427 with cysteine.
Molecular consequence: missense variant.
Genome position (GRCh38, 1-based): chr12:132,643,847, T>C on the plus strand (A>G on the coding strand, the complement: POLE is on the minus strand). VCF-style: chr12-132643847-T-C. GRCh37 (hg19) VCF-style: chr12-133220433-T-C.
Other names: short protein forms Y1427C.
Identifiers: ClinVar variation 847914 (VCV000847914.9), dbSNP rs769881769, ClinGen allele CA6892921.